The following is an entry in ClinVar:

ClinVar aggregate classification (germline): Uncertain significance (1 of 4 stars; one submission).

Conditions:
Hereditary cancer-predisposing syndrome. Also called: Neoplastic Syndromes, Hereditary; Hereditary neoplastic syndrome; Tumor predisposition; Hereditary Cancer Syndrome. Identifiers: Orphanet 140162, MedGen C0027672, MeSH D009386, MONDO:0015356.

Submission:

Ambry Genetics
Classification: Uncertain significance for Hereditary cancer-predisposing syndrome. Last evaluated: 2023-01-01. Review status: criteria provided, single submitter. Criteria: Ambry Variant Classification Scheme 2023. Collection method: clinical testing. Allele origin: germline.
Comment: The p.R47G variant (also known as c.139C>G), located in coding exon 3 of the MAX gene, results from a C to G substitution at nucleotide position 139. The arginine at codon 47 is replaced by glycine, an amino acid with dissimilar properties. This amino acid position is conserved. In addition, this alteration is predicted to be deleterious by in silico analysis. Since supporting evidence is limited at this time, the clinical significance of this alteration remains unclear.

NM_002382.5(MAX):c.139C>G (p.Arg47Gly)

Genes: MAX (MYC associated transcriptional regulator X; minus strand), MAX-AS1 (MAX antisense RNA 1; plus strand). Cytogenetic location: 14q23.3.
Variant type: single nucleotide variant.
Coding change: c.139C>G on transcript NM_002382.5 (MANE Select); coding-DNA position 139, C replaced by G.
Protein change: p.Arg47Gly; replaces arginine 47 with glycine.
Molecular consequence: missense variant. On other transcripts: non-coding transcript variant (12), 5 prime UTR variant (6), intron variant (1).
Genome position (GRCh38, 1-based): chr14:65,093,740, G>C on the plus strand (C>G on the coding strand, the complement: MAX is on the minus strand). VCF-style: chr14-65093740-G-C. GRCh37 (hg19) VCF-style: chr14-65560458-G-C.
Other names: c.112C>G, p.Arg38Gly (NM_001271068.2, NM_001271069.2, NM_001407095.1 and 9 more transcripts); c.-136C>G (NM_001320415.2, NM_001407105.1, NM_001407106.1 and 1 more transcripts); c.139C>G, p.Arg47Gly (NM_001407094.1, NM_001407096.1, NM_001407097.1 and 5 more transcripts); c.-229C>G (NM_001407111.1, NM_001407112.1); c.162C>G, p.Cys54Trp (NM_001407114.1); c.63+7806C>G (NM_001407098.1); short protein forms C54W, R47G, R38G.
Identifiers: ClinVar variation 2453894 (VCV002453894.2), dbSNP rs866762160, ClinGen allele CA390037663.